The following is an entry in ClinVar:

ClinVar aggregate classification (germline): Uncertain significance. Review status: criteria provided, multiple submitters, no conflicts (2 of 4 stars). 3 submissions from 3 submitters: Uncertain significance (3). Last evaluated 2025-04-27.

Conditions:
Hereditary cancer-predisposing syndrome. Also called: Tumor predisposition; Neoplastic Syndromes, Hereditary; Hereditary Cancer Syndrome; Hereditary neoplastic syndrome. Identifiers: Orphanet 140162, MedGen C0027672, MeSH D009386, MONDO:0015356.
Tuberous sclerosis 2 (TSC2). Identifiers: Orphanet 805, MedGen C1860707, MONDO:0013199, OMIM 613254.

Submissions (3):

Labcorp Genetics (formerly Invitae), Labcorp
Classification: Uncertain significance for Tuberous sclerosis 2. Last evaluated: 2025-04-27. Review status: criteria provided, single submitter. Criteria: Invitae Variant Classification Sherloc (09022015). Collection method: clinical testing. Allele origin: germline.
Comment: This sequence change replaces glutamic acid, which is acidic and polar, with aspartic acid, which is acidic and polar, at codon 1602 of the TSC2 protein (p.Glu1602Asp). This variant is not present in population databases (gnomAD no frequency). This variant has not been reported in the literature in individuals affected with TSC2-related conditions. ClinVar contains an entry for this variant (Variation ID: 486702). Invitae Evidence Modeling of protein sequence and biophysical properties (such as structural, functional, and spatial information, amino acid conservation, physicochemical variation, residue mobility, and thermodynamic stability) indicates that this missense variant is not expected to disrupt TSC2 protein function with a negative predictive value of 95%. In summary, the available evidence is currently insufficient to determine the role of this variant in disease. Therefore, it has been classified as a Variant of Uncertain Significance.

Ambry Genetics
Classification: Uncertain significance for Hereditary cancer-predisposing syndrome. Last evaluated: 2023-04-20. Review status: criteria provided, single submitter. Criteria: Ambry Variant Classification Scheme 2023. Collection method: clinical testing. Allele origin: germline.
Comment: The p.E1602D variant (also known as c.4806G>T), located in coding exon 36 of the TSC2 gene, results from a G to T substitution at nucleotide position 4806. The glutamic acid at codon 1602 is replaced by aspartic acid, an amino acid with highly similar properties. This amino acid position is not well conserved in available vertebrate species. In addition, the in silico prediction for this alteration is inconclusive. Since supporting evidence is limited at this time, the clinical significance of this alteration remains unclear.

Genome-Nilou Lab
Classification: Uncertain significance for Tuberous sclerosis 2. Last evaluated: 2021-11-07. Review status: criteria provided, single submitter. Criteria: ACMG Guidelines, 2015. Collection method: clinical testing. Allele origin: germline. Affected: no.

NM_000548.5(TSC2):c.4806G>T (p.Glu1602Asp)

Gene: TSC2 (TSC complex subunit 2; plus strand). Cytogenetic location: 16p13.3.
Variant type: single nucleotide variant.
Coding change: c.4806G>T on transcript NM_000548.5 (MANE Select); coding-DNA position 4806, G replaced by T.
Protein change: p.Glu1602Asp; replaces glutamic acid 1602 with aspartic acid.
Molecular consequence: missense variant.
Genome position (GRCh38, 1-based): chr16:2,086,336, G>T. VCF-style: chr16-2086336-G-T. GRCh37 (hg19) VCF-style: chr16-2136337-G-T.
Other names: c.4605G>T, p.Glu1535Asp (NM_001077183.3); c.4737G>T, p.Glu1579Asp (NM_001114382.3); c.4497G>T, p.Glu1499Asp (NM_001318827.2); c.4461G>T, p.Glu1487Asp (NM_001318829.2); c.4074G>T, p.Glu1358Asp (NM_001318831.2); c.4638G>T, p.Glu1546Asp (NM_001318832.2); c.4608G>T, p.Glu1536Asp (NM_001363528.2); c.4674G>T, p.Glu1558Asp (NM_001370404.1); and 1 more; short protein forms E1602D, E1358D, E1487D, E1535D, E1536D, E1499D, E1558D, E1579D.
Identifiers: ClinVar variation 486702 (VCV000486702.14), dbSNP rs1177233720, ClinGen allele CA394308063.